The following is an entry in ClinVar:

NM_001174089.2(SLC4A11):c.1282+1G>T

Gene: SLC4A11 (solute carrier family 4 member 11; minus strand). Cytogenetic location: 20p13.
Variant type: single nucleotide variant.
Coding change: c.1282+1G>T on transcript NM_001174089.2 (MANE Select); the canonical splice donor site of the intron after coding-DNA position 1282, G replaced by T.
Molecular consequence: splice donor variant. On other transcripts: intron variant (2).
Genome position (GRCh38, 1-based): chr20:3,230,731, C>A on the plus strand (G>T on the coding strand, the complement: SLC4A11 is on the minus strand). VCF-style: chr20-3230731-C-A. GRCh37 (hg19) VCF-style: chr20-3211377-C-A.
Other names: c.1225+1G>T (NM_001400277.1, NM_001400278.1, NM_001400279.1); c.1169-84G>T (NM_001363745.2); c.1298-84G>T (NM_001400280.1); c.1411+1G>T (NM_001174090.2); c.1330+1G>T (NM_032034.4).
Identifiers: ClinVar variation 1522999 (VCV001522999.6), dbSNP rs776659347, ClinGen allele CA408088833.
Genomic context (GRCh38, chr20:3,230,731, plus strand): 5'-TCAGGGCCCGGCAGGAACCAGGGGTCTCAGGCACCATCTCCCGCCTCAGCCCCCACTGCA[C>A]CCTGGATGTAGAGCGCCAGGGGCGCGGTGGTCAGCAGAATCACCAATGGCTGCCCAGAGA-3'

ClinVar aggregate classification (germline): Pathogenic (1 of 4 stars; one submission).

Submission:

Labcorp Genetics (formerly Invitae), Labcorp
Classification: Pathogenic. Last evaluated: 2022-10-28. Review status: criteria provided, single submitter. Criteria: Invitae Variant Classification Sherloc (09022015). Collection method: clinical testing. Allele origin: germline.
Comment: For these reasons, this variant has been classified as Pathogenic. Algorithms developed to predict the effect of sequence changes on RNA splicing suggest that this variant may disrupt the consensus splice site. ClinVar contains an entry for this variant (Variation ID: 1522999). Disruption of this splice site has been observed in individuals with congenital hereditary endothelial dystrophy (PMID: 31420327, 33541055). This variant is not present in population databases (gnomAD no frequency). This sequence change affects a donor splice site in intron 10 of the SLC4A11 gene. It is expected to disrupt RNA splicing. Variants that disrupt the donor or acceptor splice site typically lead to a loss of protein function (PMID: 16199547), and loss-of-function variants in SLC4A11 are known to be pathogenic (PMID: 17220209, 17679935).

Literature cited by the submitters: PubMed 31420327; PubMed 33541055; PubMed 16199547; PubMed 17220209; PubMed 17679935.